The following is an entry in ClinVar:

ClinVar aggregate classification (germline): Uncertain significance (1 of 4 stars; one submission).

Conditions:
Distal myopathy with posterior leg and anterior hand involvement. Also called: WILLIAMS DISTAL MYOPATHY. Identifiers: Orphanet 63273, MedGen C3279722, MONDO:0013550, OMIM 614065.
Hypertrophic cardiomyopathy 26. Also called: Cardiomyopathy, familial hypertrophic, 26. Identifiers: Orphanet 75249, MedGen C4310749, MONDO:0014883, OMIM 617047.
Myofibrillar myopathy 5. Also called: Filaminopathy (type); FILAMINOPATHY, AUTOSOMAL DOMINANT. Identifiers: Orphanet 171445, MedGen C1836050, MONDO:0012289, OMIM 609524.

Submission:

Labcorp Genetics (formerly Invitae), Labcorp
Classification: Uncertain significance for Distal myopathy with posterior leg and anterior hand involvement; Myofibrillar myopathy 5; Hypertrophic cardiomyopathy 26. Last evaluated: 2022-04-25. Review status: criteria provided, single submitter. Criteria: Invitae Variant Classification Sherloc (09022015). Collection method: clinical testing. Allele origin: germline.
Comment: This sequence change replaces leucine, which is neutral and non-polar, with valine, which is neutral and non-polar, at codon 50 of the FLNC protein (p.Leu50Val). This variant is not present in population databases (gnomAD no frequency). This variant has not been reported in the literature in individuals affected with FLNC-related conditions. Algorithms developed to predict the effect of missense changes on protein structure and function are either unavailable or do not agree on the potential impact of this missense change (SIFT: "Deleterious"; PolyPhen-2: "Possibly Damaging"; Align-GVGD: "Class C0"). In summary, the available evidence is currently insufficient to determine the role of this variant in disease. Therefore, it has been classified as a Variant of Uncertain Significance.

NM_001458.5(FLNC):c.148C>G (p.Leu50Val)

Gene: FLNC (filamin C; plus strand). Cytogenetic location: 7q32.1.
Variant type: single nucleotide variant.
Coding change: c.148C>G on transcript NM_001458.5 (MANE Select); coding-DNA position 148, C replaced by G.
Protein change: p.Leu50Val; replaces leucine 50 with valine.
Molecular consequence: missense variant.
Genome position (GRCh38, 1-based): chr7:128,830,785, C>G. VCF-style: chr7-128830785-C-G. GRCh37 (hg19) VCF-style: chr7-128470839-C-G.
Other names: c.148C>G, p.Leu50Val (NM_001127487.2); short protein forms L50V.
Identifiers: ClinVar variation 2130793 (VCV002130793.4), dbSNP rs2128932147, ClinGen allele CA369216048.
Genomic context (GRCh38, chr7:128,830,785, plus strand): 5'-GAGGACGCGCCGTGGAAGAAGATCCAGCAGAACACATTCACGCGCTGGTGCAATGAGCAC[C>G]TCAAGTGCGTGGGCAAGCGCCTGACCGACCTGCAGCGCGACCTCAGCGACGGGCTCCGGC-3'
Protein context (NP_001449.3, residues 40-60): NTFTRWCNEH[Leu50Val]KCVGKRLTDL